The following is an entry in ClinVar:

NM_001069.3(TUBB2A):c.762G>T (p.Ala254=)

Gene: TUBB2A (tubulin beta 2A class IIa; minus strand). Cytogenetic location: 6p25.2.
Variant type: single nucleotide variant.
Coding change: c.762G>T on transcript NM_001069.3 (MANE Select); coding-DNA position 762, G replaced by T.
Protein change: p.Ala254=; no amino-acid change (alanine 254 retained).
Molecular consequence: synonymous variant.
Genome position (GRCh38, 1-based): chr6:3,154,439, C>A on the plus strand (G>T on the coding strand, the complement: TUBB2A is on the minus strand). VCF-style: chr6-3154439-C-A. GRCh37 (hg19) VCF-style: chr6-3154673-C-A.
Other names: c.507G>T, p.Ala169= (NM_001310315.2).
Identifiers: ClinVar variation 510617 (VCV000510617.9), dbSNP rs375922908, ClinGen allele CA3618997.

ClinVar aggregate classification (germline): Likely benign. Review status: criteria provided, multiple submitters, no conflicts (2 of 4 stars). 3 submissions from 3 submitters: Likely benign (3). Last evaluated 2025-08-18.

Allele frequency attached by ClinVar (database versions not stated): gnomAD 0.00004; ExAC 0.00007; gnomAD exomes 0.00007 and 0.00020; ESP Exome Variant Server 0.00024.

Submissions (3):

Labcorp Genetics (formerly Invitae), Labcorp
Classification: Likely benign. Last evaluated: 2025-08-18. Review status: criteria provided, single submitter. Criteria: Invitae Variant Classification Sherloc (09022015). Collection method: clinical testing. Allele origin: germline.

Blueprint Genetics
Classification: Likely benign. Last evaluated: 2023-11-16. Review status: criteria provided, single submitter. Criteria: ACMG Guidelines, 2015. Collection method: clinical testing. Allele origin: germline.

GeneDx
Classification: Likely benign. Last evaluated: 2017-07-10. Review status: criteria provided, single submitter. Criteria: GeneDx Variant Classification (06012015). Collection method: clinical testing. Allele origin: germline. Affected: yes.
Comment: This variant is considered likely benign or benign based on one or more of the following criteria: it is a conservative change, it occurs at a poorly conserved position in the protein, it is predicted to be benign by multiple in silico algorithms, and/or has population frequency not consistent with disease.